The following is an entry in ClinVar:

NM_001077365.2(POMT1):c.987-2A>C

Gene: POMT1 (protein O-mannosyltransferase 1; plus strand). Cytogenetic location: 9q34.13.
Variant type: single nucleotide variant.
Coding change: c.987-2A>C on transcript NM_001077365.2 (MANE Select); the canonical splice acceptor site of the intron before coding-DNA position 987, A replaced by C.
Molecular consequence: splice acceptor variant. On other transcripts: intron variant (1).
Genome position (GRCh38, 1-based): chr9:131,512,039, A>C. VCF-style: chr9-131512039-A-C. GRCh37 (hg19) VCF-style: chr9-134387426-A-C.
Other names: c.891-2A>C (NM_001353198.2, NM_001353197.2); c.1053-2A>C (NM_001353193.2, NM_007171.4); c.987-2A>C (NM_001136113.2, NM_001374690.1); c.825-2A>C (NM_001353194.2, NM_001077366.2); c.636-2A>C (NM_001374691.1, NM_001353195.2, NM_001374692.1 and 1 more transcripts); c.897-2A>C (NM_001353196.2); c.597-2A>C (NM_001374695.1); c.975-2A>C (NM_001374689.1); and 4 more.
Identifiers: ClinVar variation 580822 (VCV000580822.10), dbSNP rs1453773610, ClinGen allele CA375308733.
Genomic context (GRCh38, chr9:131,512,039, plus strand): 5'-CTGATTACAGGCCTGAGCCACCGCGCCTGGCCCAGATACATCTCTTTGTTGACTTCACAC[A>C]GATATGAGAACGGCCGAGGCAGCTCCCACCAGCAACAGGTGACCTGTTACCCCTTCAAAG-3'

ClinVar aggregate classification (germline): Likely pathogenic (1 of 4 stars; one submission).

Conditions:
Autosomal recessive limb-girdle muscular dystrophy type 2K. Also called: MUSCULAR DYSTROPHY-DYSTROGLYCANOPATHY (LIMB-GIRDLE), TYPE C, 1; MUSCULAR DYSTROPHY, LIMB-GIRDLE, TYPE 2K. Identifiers: Orphanet 86812, MedGen C1836373, MONDO:0012248, OMIM 609308.
Walker-Warburg congenital muscular dystrophy. Also called: Muscular dystrophy-dystroglycanopathy, type A; Walker-Warburg syndrome. Identifiers: Orphanet 899, MedGen C0265221, MONDO:0000171.
Muscular dystrophy-dystroglycanopathy (congenital with impaired intellectual development), type B, 1. Also called: Muscular dystrophy-dystroglycanopathy (congenital with intellectual disability), type B1; MUSCULAR DYSTROPHY, CONGENITAL, POMT1-RELATED. Identifiers: MedGen C5436962, MONDO:0013159, OMIM 613155.

Submission:

Labcorp Genetics (formerly Invitae), Labcorp
Classification: Likely pathogenic for Muscular dystrophy-dystroglycanopathy (congenital with impaired intellectual development), type B, 1; Walker-Warburg congenital muscular dystrophy; Autosomal recessive limb-girdle muscular dystrophy type 2K. Last evaluated: 2023-10-03. Review status: criteria provided, single submitter. Criteria: Invitae Variant Classification Sherloc (09022015). Collection method: clinical testing. Allele origin: germline.
Comment: This sequence change affects an acceptor splice site in intron 10 of the POMT1 gene. It is expected to disrupt RNA splicing. Variants that disrupt the donor or acceptor splice site typically lead to a loss of protein function (PMID: 16199547), and loss-of-function variants in POMT1 are known to be pathogenic (PMID: 12369018, 15637732, 16575835). This variant is not present in population databases (gnomAD no frequency). Disruption of this splice site has been observed in individual(s) with clinical features of POMT1-related conditions (Invitae). ClinVar contains an entry for this variant (Variation ID: 580822). Algorithms developed to predict the effect of sequence changes on RNA splicing suggest that this variant may disrupt the consensus splice site. In summary, the currently available evidence indicates that the variant is pathogenic, but additional data are needed to prove that conclusively. Therefore, this variant has been classified as Likely Pathogenic.

Literature cited by the submitters: PubMed 16199547; PubMed 12369018; PubMed 15637732; PubMed 16575835.